The following is an entry in ClinVar:

ClinVar aggregate classification (germline): Conflicting classifications of pathogenicity. Review status: criteria provided, conflicting classifications (1 of 4 stars). 2 submissions from 2 submitters: Uncertain significance (1); Benign (1). Last evaluated 2026-01-19.

Allele frequency attached by ClinVar (database versions not stated): gnomAD exomes 0.00019 and 0.00047; ExAC 0.00054; ESP Exome Variant Server 0.00146; gnomAD 0.00176 and 0.00188; TOPMed 0.00197; 1000 Genomes Project 30x 0.00219; 1000 Genomes Project 0.00220.
gnomAD v4.1: 557 of 1,613,894 alleles (0.035%); highest among the groups gnomAD compares: African/African-American, 0.66%; 1 homozygote.

Submissions (3):

Labcorp Genetics (formerly Invitae), Labcorp
Classification: Benign. Last evaluated: 2026-01-19. Review status: criteria provided, single submitter. Criteria: Invitae Variant Classification Sherloc (09022015). Collection method: clinical testing. Allele origin: germline.

GeneDx
Classification: Uncertain significance. Last evaluated: 2022-07-31. Review status: criteria provided, single submitter. Criteria: GeneDx Variant Classification Process June 2021. Collection method: clinical testing. Allele origin: germline. Affected: yes.
Comment: In silico analysis supports that this missense variant does not alter protein structure/function; Has not been previously published as pathogenic or benign to our knowledge

Dr. Peter K. Rogan Lab, Western University
No classification provided (evidence only). Condition: Malignant tumor of urinary bladder. Review status: no classification provided. Collection method: in vitro. Allele origin: not applicable. Functional consequence: retained intron. Not counted in ClinVar's aggregate classification.

NM_021222.3(PRUNE1):c.640A>G (p.Ile214Val)

Gene: PRUNE1 (prune exopolyphosphatase 1; plus strand). Cytogenetic location: 1q21.3.
Variant type: single nucleotide variant.
Coding change: c.640A>G on transcript NM_021222.3 (MANE Select); coding-DNA position 640, A replaced by G.
Protein change: p.Ile214Val; replaces isoleucine 214 with valine.
Molecular consequence: missense variant. On other transcripts: non-coding transcript variant (2), intron variant (1).
Genome position (GRCh38, 1-based): chr1:151,025,634, A>G. VCF-style: chr1-151025634-A-G. GRCh37 (hg19) VCF-style: chr1-150998110-A-G.
Other names: c.94A>G, p.Ile32Val (NM_001303229.2); c.640A>G, p.Ile214Val (NM_001303242.2); c.77-1599A>G (NM_001303243.2); short protein forms I214V, I32V.
Identifiers: ClinVar variation 1699530 (VCV001699530.8), dbSNP rs150450383, ClinGen allele CA1083836.